The following is an entry in ClinVar:

ClinVar aggregate classification (germline): Pathogenic/Likely pathogenic. Review status: criteria provided, multiple submitters, no conflicts (2 of 4 stars). 2 submissions from 2 submitters: Pathogenic (1); Likely pathogenic (1). Last evaluated 2024-03-23.

Conditions:
Microcephaly 1, primary, autosomal recessive (MCPH1). Also called: PREMATURE CHROMOSOME CONDENSATION SYNDROME; PCC SYNDROME; PREMATURE CHROMOSOME CONDENSATION WITH MICROCEPHALY AND MENTAL RETARDATION. Identifiers: Orphanet 2512, MedGen C1855081, MONDO:0009617, OMIM 251200.

Submissions (2):

Fulgent Genetics
Classification: Likely pathogenic for Microcephaly 1, primary, autosomal recessive. Last evaluated: 2024-03-23. Review status: criteria provided, single submitter. Criteria: ACMG Guidelines, 2015. Collection method: clinical testing. Allele origin: germline.

Labcorp Genetics (formerly Invitae), Labcorp
Classification: Pathogenic. Last evaluated: 2023-02-18. Review status: criteria provided, single submitter. Criteria: Invitae Variant Classification Sherloc (09022015). Collection method: clinical testing. Allele origin: germline.
Comment: For these reasons, this variant has been classified as Pathogenic. This variant has not been reported in the literature in individuals affected with MCPH1-related conditions. This variant is present in population databases (no rsID available, gnomAD 0.01%). This sequence change creates a premature translational stop signal (p.Lys26Aspfs*18) in the MCPH1 gene. It is expected to result in an absent or disrupted protein product. Loss-of-function variants in MCPH1 are known to be pathogenic (PMID: 20978018).

Literature cited by the submitters: PubMed 20978018 (cited by Labcorp Genetics (formerly Invitae), Labcorp).

NM_024596.5(MCPH1):c.76_77del (p.Lys26fs)

Gene: MCPH1 (microcephalin 1; plus strand). Cytogenetic location: 8p23.1.
Variant type: Deletion.
Coding change: c.76_77del on transcript NM_024596.5 (MANE Select); coding-DNA positions 76 to 77, 2 bases deleted (AA; older notation c.76_77delAA).
Protein change: p.Lys26fs; shifts the reading frame from lysine 26.
Molecular consequence: frameshift variant. On other transcripts: 5 prime UTR variant (1), non-coding transcript variant (1).
Genome position (GRCh38, 1-based): chr8:6,409,332-6,409,333, AA deleted; deleting any 2 consecutive bases within chr8:6,409,331-6,409,333 gives the same sequence; the c. name uses the placement nearest the transcript's 3' end. VCF-style (leftmost placement, unchanged base first): chr8-6409330-CAA-C. GRCh37 (hg19) VCF-style: chr8-6266851-CAA-C.
Other names: c.76_77del, p.Lys26fs (NM_001172574.2, NM_001172575.2, NM_001322042.2 and 4 more transcripts); c.70_71del, p.Lys24fs (NM_001322043.2); c.-27_-26del (NM_001322045.2); short protein forms K26fs, K24fs.
Identifiers: ClinVar variation 2868001 (VCV002868001.4), dbSNP rs1225945960, ClinGen allele CA579616347.